The following is an entry in ClinVar:

ClinVar aggregate classification (germline): Benign/Likely benign. Review status: criteria provided, multiple submitters, no conflicts (2 of 4 stars). 3 submissions from 3 submitters: Benign (1); Likely benign (1). 1 of the submissions does not count toward it. Last evaluated 2025-10-15.

Conditions:
RPS10-related disorder. Also called: RPS10-related condition.
Diamond-Blackfan anemia. Also called: Blackfan Diamond syndrome; Aregenerative anemia chronic congenital; Red cell aplasia, pure hereditary; Congenital hypoplastic anemia; Aase syndrome. Identifiers: Orphanet 124, MedGen C1260899, MeSH D029503, MONDO:0015253, HP:0004810.

Allele frequency attached by ClinVar (database versions not stated): TOPMed 0.00004; gnomAD 0.00005; gnomAD exomes 0.00007 and 0.00016; ExAC 0.00012.
gnomAD v4.1: 51 of 1,613,960 alleles (0.0032%); highest among the groups gnomAD compares: Admixed American, 0.08%; no homozygotes.

Submissions (3):

Labcorp Genetics (formerly Invitae), Labcorp
Classification: Benign for Diamond-Blackfan anemia. Last evaluated: 2025-10-15. Review status: criteria provided, single submitter. Criteria: Invitae Variant Classification Sherloc (09022015). Collection method: clinical testing. Allele origin: germline.

Blueprint Genetics
Classification: Likely benign. Last evaluated: 2024-11-26. Review status: criteria provided, single submitter. Criteria: ACMG Guidelines, 2015. Collection method: clinical testing. Allele origin: germline.

PreventionGenetics, part of Exact Sciences
Classification: Likely benign for RPS10-related condition. Last evaluated: 2023-11-30. Review status: no assertion criteria provided. Collection method: clinical testing. Allele origin: germline. Not counted in ClinVar's aggregate classification.
Comment: This variant is classified as likely benign based on ACMG/AMP sequence variant interpretation guidelines (Richards et al. 2015 PMID: 25741868, with internal and published modifications).

NM_001014.5(RPS10):c.401-9A>G

Genes: RPS10 (ribosomal protein S10; minus strand), RPS10-NUDT3 (RPS10-NUDT3 readthrough; minus strand). Cytogenetic location: 6p21.31.
Variant type: single nucleotide variant.
Coding change: c.401-9A>G on transcript NM_001014.5 (MANE Select); 9 bases into the intron before coding-DNA position 401, A replaced by G.
Molecular consequence: intron variant.
Genome position (GRCh38, 1-based): chr6:34,418,433, T>C on the plus strand (A>G on the coding strand, the complement: RPS10 is on the minus strand). VCF-style: chr6-34418433-T-C. GRCh37 (hg19) VCF-style: chr6-34386210-T-C.
Other names: c.401-9A>G (NM_001202470.3, NM_001204091.2, NM_001203245.3).
Identifiers: ClinVar variation 702019 (VCV000702019.14), dbSNP rs760917852, ClinGen allele CA3765019.